The following is an entry in ClinVar:

NM_177924.5(ASAH1):c.1094A>T (p.Asn365Ile)

Gene: ASAH1 (N-acylsphingosine amidohydrolase 1; minus strand). Cytogenetic location: 8p22.
Variant type: single nucleotide variant.
Coding change: c.1094A>T on transcript NM_177924.5 (MANE Select); coding-DNA position 1094, A replaced by T.
Protein change: p.Asn365Ile; replaces asparagine 365 with isoleucine.
Molecular consequence: missense variant.
Genome position (GRCh38, 1-based): chr8:18,058,839, T>A on the plus strand (A>T on the coding strand, the complement: ASAH1 is on the minus strand). VCF-style: chr8-18058839-T-A. GRCh37 (hg19) VCF-style: chr8-17916348-T-A.
Other names: c.1076A>T, p.Asn359Ile (NM_001127505.3); c.899A>T, p.Asn300Ile (NM_001363743.2); c.1142A>T, p.Asn381Ile (NM_004315.6); short protein forms N359I, N365I, N381I, N300I.
Identifiers: ClinVar variation 1471637 (VCV001471637.8), dbSNP rs964224037, ClinGen allele CA370426954.

ClinVar aggregate classification (germline): Uncertain significance (1 of 4 stars; one submission).

Submission:

Labcorp Genetics (formerly Invitae), Labcorp
Classification: Uncertain significance. Last evaluated: 2022-09-01. Review status: criteria provided, single submitter. Criteria: Invitae Variant Classification Sherloc (09022015). Collection method: clinical testing. Allele origin: germline.
Comment: This variant is not present in population databases (gnomAD no frequency). In summary, the available evidence is currently insufficient to determine the role of this variant in disease. Therefore, it has been classified as a Variant of Uncertain Significance. Algorithms developed to predict the effect of missense changes on protein structure and function (SIFT, PolyPhen-2, Align-GVGD) all suggest that this variant is likely to be disruptive. ClinVar contains an entry for this variant (Variation ID: 1471637). This variant has not been reported in the literature in individuals affected with ASAH1-related conditions. This sequence change replaces asparagine, which is neutral and polar, with isoleucine, which is neutral and non-polar, at codon 365 of the ASAH1 protein (p.Asn365Ile).